The following is an entry in ClinVar:

NM_020911.2(PLXNA4):c.1415C>T (p.Thr472Met)

Gene: PLXNA4 (plexin A4; minus strand). Cytogenetic location: 7q32.3.
Variant type: single nucleotide variant.
Coding change: c.1415C>T on transcript NM_020911.2 (MANE Select); coding-DNA position 1415, C replaced by T.
Protein change: p.Thr472Met; replaces threonine 472 with methionine.
Molecular consequence: missense variant.
Genome position (GRCh38, 1-based): chr7:132,298,179, G>A on the plus strand (C>T on the coding strand, the complement: PLXNA4 is on the minus strand). VCF-style: chr7-132298179-G-A. GRCh37 (hg19) VCF-style: chr7-131982938-G-A.
Other names: c.1415C>T, p.Thr472Met (NM_001393897.1); short protein forms T472M.
Identifiers: ClinVar variation 3215578 (VCV003215578.2), dbSNP rs763403636, ClinGen allele CA4490159.
Genomic context (GRCh38, chr7:132,298,179, plus strand): 5'-TCGTGGTCCTTGGAGAAGGCCATATCCCGGAGGACTGGGCCGGGGTCCACCACCTGCACC[G>A]TCTCATACTGGAGGGCGTTGCCCCTGGGTCCATCCACCCGGATCTGTGGAGAAGAAGAGG-3'
Protein context (NP_065962.1, residues 462-482): GPRGNALQYE[Thr472Met]VQVVDPGPVL

ClinVar aggregate classification (germline): Uncertain significance. Review status: criteria provided, multiple submitters, no conflicts (2 of 4 stars). 2 submissions from 2 submitters: Uncertain significance (2). Last evaluated 2025-10-27.

Conditions:
PLXNA4-related disorder. Also called: PLXNA4-related condition.

Allele frequency attached by ClinVar (database versions not stated): TOPMed 0.00002; gnomAD 0.00003; gnomAD exomes 0.00006; ExAC 0.00007.
gnomAD v4.1: 90 of 1,614,048 alleles (0.0056%); highest among the groups gnomAD compares: South Asian, 0.016%; no homozygotes.

Submissions (2):

PreventionGenetics, part of Exact Sciences
Classification: Uncertain significance for PLXNA4-related condition. Last evaluated: 2025-10-27. Review status: criteria provided, single submitter. Criteria: ACMG Guidelines, 2015. Collection method: clinical testing. Allele origin: germline.
Comment: The PLXNA4 c.1415C>T variant is predicted to result in the amino acid substitution p.Thr472Met. To our knowledge, this variant has not been reported in the literature. This variant is reported in 0.020% of alleles in individuals of Latino descent in gnomAD. At this time, the clinical significance of this variant is uncertain due to the absence of conclusive functional and genetic evidence.

Ambry Genetics
Classification: Uncertain significance. Last evaluated: 2023-09-29. Review status: criteria provided, single submitter. Criteria: Ambry Variant Classification Scheme 2023. Collection method: clinical testing. Allele origin: germline.